The following is an entry in ClinVar:

NM_002055.5(GFAP):c.750G>A (p.Met250Ile)

Gene: GFAP (glial fibrillary acidic protein; minus strand). Cytogenetic location: 17q21.31.
Variant type: single nucleotide variant.
Coding change: c.750G>A on transcript NM_002055.5 (MANE Select); coding-DNA position 750, G replaced by A.
Protein change: p.Met250Ile; replaces methionine 250 with isoleucine.
Molecular consequence: missense variant.
Genome position (GRCh38, 1-based): chr17:44,913,299, C>T on the plus strand (G>A on the coding strand, the complement: GFAP is on the minus strand). VCF-style: chr17-44913299-C-T. GRCh37 (hg19) VCF-style: chr17-42990667-C-T.
Other names: c.750G>A, p.Met250Ile (NM_001131019.3, NM_001242376.3, NM_001363846.2); short protein forms M250I.
Identifiers: ClinVar variation 3360615 (VCV003360615.1).

ClinVar aggregate classification (germline): Uncertain significance (1 of 4 stars; one submission).

Submission:

GeneDx
Classification: Uncertain significance. Last evaluated: 2023-07-17. Review status: criteria provided, single submitter. Criteria: GeneDx Variant Classification Process June 2021. Collection method: clinical testing. Allele origin: germline. Affected: yes.
Comment: Not observed at significant frequency in large population cohorts (gnomAD); In silico analysis supports that this missense variant does not alter protein structure/function; Has not been previously published as pathogenic or benign to our knowledge